The following is an entry in ClinVar:

ClinVar aggregate classification (germline): Uncertain significance (1 of 4 stars; one submission).

Conditions:
Hereditary cancer-predisposing syndrome. Also called: Neoplastic Syndromes, Hereditary; Tumor predisposition; Hereditary neoplastic syndrome; Hereditary Cancer Syndrome. Identifiers: Orphanet 140162, MedGen C0027672, MeSH D009386, MONDO:0015356.

Submission:

Ambry Genetics
Classification: Uncertain significance for Hereditary cancer-predisposing syndrome. Last evaluated: 2022-12-08. Review status: criteria provided, single submitter. Criteria: Ambry Variant Classification Scheme 2023. Collection method: clinical testing. Allele origin: germline.
Comment: The p.I164F variant (also known as c.490A>T), located in coding exon 3 of the NTHL1 gene, results from an A to T substitution at nucleotide position 490. The isoleucine at codon 164 is replaced by phenylalanine, an amino acid with highly similar properties. This amino acid position is conserved. In addition, the in silico prediction for this alteration is inconclusive. Since supporting evidence is limited at this time, the clinical significance of this alteration remains unclear.

NM_002528.7(NTHL1):c.466A>T (p.Ile156Phe)

Gene: NTHL1 (nth like DNA glycosylase 1; minus strand). Cytogenetic location: 16p13.3.
Variant type: single nucleotide variant.
Coding change: c.466A>T on transcript NM_002528.7 (MANE Select); coding-DNA position 466, A replaced by T.
Protein change: p.Ile156Phe; replaces isoleucine 156 with phenylalanine.
Molecular consequence: missense variant. On other transcripts: intron variant (1).
Genome position (GRCh38, 1-based): chr16:2,044,689, T>A on the plus strand (A>T on the coding strand, the complement: NTHL1 is on the minus strand). VCF-style: chr16-2044689-T-A. GRCh37 (hg19) VCF-style: chr16-2094690-T-A.
Other names: c.136A>T, p.Ile46Phe (NM_001318194.2); c.355-963A>T (NM_001318193.2); short protein forms I46F, I156F.
Identifiers: ClinVar variation 2451098 (VCV002451098.2), dbSNP rs2548316226, ClinGen allele CA394294239.